The following is an entry in ClinVar:

ClinVar aggregate classification (germline): Likely benign (1 of 4 stars; one submission).

Conditions:
Hereditary breast ovarian cancer syndrome. Also called: Hereditary breast and ovarian cancer; Hereditary breast and ovarian cancer syndrome (HBOC); Breast and ovarian cancer; Hereditary breast and/or ovarian cancer syndrome; BRCA1- and BRCA2-Associated Hereditary Breast and Ovarian Cancer; Hereditary breast and ovarian cancer syndrome. Identifiers: Orphanet 145, MedGen C0677776, MeSH D061325, MONDO:0003582. Disease mechanism: loss of function.

Submissions (2):

Labcorp Genetics (formerly Invitae), Labcorp
Classification: Likely benign for Hereditary breast ovarian cancer syndrome. Last evaluated: 2020-02-04. Review status: criteria provided, single submitter. Criteria: Invitae Variant Classification Sherloc (09022015). Collection method: clinical testing. Allele origin: germline.

Brotman Baty Institute, University of Washington
No classification provided (evidence only). Condition: Breast-ovarian cancer, familial 1. Review status: no classification provided. Collection method: in vitro. Allele origin: not applicable. Functional consequence: functionally_normal. Not counted in ClinVar's aggregate classification.
ClinVar note: "not provided" was previously submitted as the classification for the variant. However, the classification appeared to be based only on an observation of functional data so it was converted to no classification on 2025-07-30.

NM_007294.4(BRCA1):c.5074+6C>T

Gene: BRCA1 (BRCA1 DNA repair associated; minus strand). Cytogenetic location: 17q21.31.
Variant type: single nucleotide variant.
Coding change: c.5074+6C>T on transcript NM_007294.4 (MANE Select); 6 bases into the intron after coding-DNA position 5074, C replaced by T.
Molecular consequence: intron variant.
Genome position (GRCh38, 1-based): chr17:43,067,602, G>A on the plus strand (C>T on the coding strand, the complement: BRCA1 is on the minus strand). VCF-style: chr17-43067602-G-A. GRCh37 (hg19) VCF-style: chr17-41219619-G-A.
Other names: c.4948+6C>T (NM_001407939.1, NM_001407677.1, NM_001407940.1 and 11 more transcripts); c.4951+6C>T (NM_001407919.1, NM_001407937.1, NM_001407669.1 and 6 more transcripts); c.1762+6C>T (NM_001407979.1, NM_001407982.1, NM_001407980.1 and 12 more transcripts); c.1765+6C>T (NM_001407977.1, NM_001407976.1, NM_001407974.1 and 3 more transcripts); c.5068+6C>T (NM_001407642.1, NM_001407634.1, NM_001407632.1 and 14 more transcripts); c.5071+6C>T (NM_001407625.1, NM_001407619.1, NM_001407610.1 and 17 more transcripts); c.5074+6C>T (NM_001407684.1, NM_001407594.1, NM_001407593.1 and 8 more transcripts); c.5137+6C>T (NM_001407583.1, NM_001407587.1, NM_001407585.1 and 1 more transcripts); and 71 more.
Identifiers: ClinVar variation 868599 (VCV000868599.20), dbSNP rs80358032, ClinGen allele CA916080154.